The following is an entry in ClinVar:

ClinVar aggregate classification (germline): Pathogenic. Review status: criteria provided, multiple submitters, no conflicts (2 of 4 stars). 2 submissions from 2 submitters: Pathogenic (2). Last evaluated 2025-08-12.

Conditions:
Hyperinsulinism due to INSR deficiency. Also called: Hyperinsulinism due to glutamodehydrogenase deficiency. Identifiers: Orphanet 263458, MedGen C1864952, MONDO:0012381, OMIM 609968.

gnomAD v4.1: 8 of 1,614,008 alleles (0.0005%); highest among the groups gnomAD compares: Non-Finnish European, 0.00068%; no homozygotes.

Submissions (2):

GeneDx
Classification: Pathogenic. Last evaluated: 2025-08-12. Review status: criteria provided, single submitter. Criteria: GeneDx Variant Classification Process June 2021. Collection method: clinical testing. Allele origin: germline. Affected: yes.
Comment: Nonsense variant predicted to result in protein truncation or nonsense mediated decay in a gene for which loss of function is a known mechanism of disease; Not observed at significant frequency in large population cohorts (gnomAD); This variant is associated with the following publications: (PMID: 39741883, 37838154, 36398453)

Women's Health and Genetics/Laboratory Corporation of America, LabCorp
Classification: Pathogenic for Hyperinsulinism due to INSR deficiency. Last evaluated: 2025-04-03. Review status: criteria provided, single submitter. Criteria: LabCorp Variant Classification Summary - May 2015. Collection method: clinical testing. Allele origin: germline.
Comment: Variant summary: INSR c.3058C>T (p.Arg1020X) results in a premature termination codon, predicted to cause a truncation of the encoded protein or absence of the protein due to nonsense mediated decay, which are commonly known mechanisms for disease. The variant allele was found at a frequency of 4e-06 in 251338 control chromosomes. c.3058C>T has been reported in the presumed compound heterozygous state literature in at least 1 individual affected with autosomal recessive Donohue syndrome (Globa_2023). To our knowledge, no experimental evidence demonstrating an impact on protein function has been reported. No submitters have cited clinical-significance assessments for this variant to ClinVar. Based on the evidence outlined above, the variant was classified as pathogenic.

Literature cited by the submitters: PubMed 36398453 (cited by Women's Health and Genetics/Laboratory Corporation of America, LabCorp).

NM_000208.4(INSR):c.3058C>T (p.Arg1020Ter)

Gene: INSR (insulin receptor; minus strand). Cytogenetic location: 19p13.2.
Variant type: single nucleotide variant.
Coding change: c.3058C>T on transcript NM_000208.4 (MANE Select); coding-DNA position 3058, C replaced by T.
Protein change: p.Arg1020Ter; replaces arginine 1020 with a stop codon.
Molecular consequence: nonsense.
Genome position (GRCh38, 1-based): chr19:7,125,483, G>A on the plus strand (C>T on the coding strand, the complement: INSR is on the minus strand). VCF-style: chr19-7125483-G-A. GRCh37 (hg19) VCF-style: chr19-7125494-G-A.
Other names: c.3058C>T (NM_000208.2); c.3022C>T, p.Arg1008Ter (NM_001079817.3); short protein forms R1008*, R1020*.
Identifiers: ClinVar variation 3896504 (VCV003896504.3).
Genomic context (GRCh38, chr19:7,125,483, plus strand): 5'-CCTCATACACCATGCCGAAGGAGCCCTGCCCCAGCTCTCGAAGGAGGGTGATCTTCTCTC[G>A]AGACACCTCCCACTCGTCCGGCACGTACACAGAGCATGGAAACACTACTTCTTACTTATC-3'